The following is an entry in ClinVar:

NM_017654.4(SAMD9):c.358C>A (p.Pro120Thr)

Gene: SAMD9 (sterile alpha motif domain containing 9; minus strand). Cytogenetic location: 7q21.2.
Variant type: single nucleotide variant.
Coding change: c.358C>A on transcript NM_017654.4 (MANE Select); coding-DNA position 358, C replaced by A.
Protein change: p.Pro120Thr; replaces proline 120 with threonine.
Molecular consequence: missense variant.
Genome position (GRCh38, 1-based): chr7:93,105,740, G>T on the plus strand (C>A on the coding strand, the complement: SAMD9 is on the minus strand). VCF-style: chr7-93105740-G-T. GRCh37 (hg19) VCF-style: chr7-92735053-G-T.
Other names: c.358C>A, p.Pro120Thr (NM_001193307.2); short protein forms P120T.
Identifiers: ClinVar variation 4827008 (VCV004827008.1).

ClinVar aggregate classification (germline): Uncertain significance (1 of 4 stars; one submission).

Conditions:
Inborn genetic diseases. Identifiers: MedGen C0950123, MeSH D030342.

Submission:

Ambry Genetics
Classification: Uncertain significance for Inborn genetic diseases. Last evaluated: 2026-02-28. Review status: criteria provided, single submitter. Criteria: Ambry Variant Classification Scheme 2023. Collection method: clinical testing. Allele origin: germline.
Comment: The p.P120T variant (also known as c.358C>A), located in coding exon 1 of the SAMD9 gene, results from a C to A substitution at nucleotide position 358. The proline at codon 120 is replaced by threonine, an amino acid with highly similar properties. This amino acid position is conserved. In addition, this alteration is predicted to be tolerated by in silico analysis. Based on the available evidence, the clinical significance of this variant remains unclear.